The following is an entry in ClinVar:

ClinVar aggregate classification (germline): Uncertain significance. Review status: criteria provided, multiple submitters, no conflicts (2 of 4 stars). 2 submissions from 2 submitters: Uncertain significance (2). Last evaluated 2024-09-06.

Conditions:
Autosomal dominant Parkinson disease 8. Also called: LRRK2-Related Parkinson Disease; Parkinson disease 8; Parkinson disease 8, susceptibility to. Identifiers: Orphanet 411602, MedGen C1846862, MONDO:0011764, OMIM 607060.
Inborn genetic diseases. Identifiers: MedGen C0950123, MeSH D030342.

Allele frequency attached by ClinVar (database versions not stated): gnomAD exomes below 0.00001; TOPMed below 0.00001.
gnomAD v4.1: 2 of 1,596,222 alleles (0.00013%); highest among the groups gnomAD compares: Non-Finnish European, 0.00017%; no homozygotes.

Submissions (2):

Ambry Genetics
Classification: Uncertain significance for Inborn genetic diseases. Last evaluated: 2024-09-06. Review status: criteria provided, single submitter. Criteria: Ambry Variant Classification Scheme 2023. Collection method: clinical testing. Allele origin: germline.
Comment: The p.L117W variant (also known as c.350T>G), located in coding exon 4 of the LRRK2 gene, results from a T to G substitution at nucleotide position 350. The leucine at codon 117 is replaced by tryptophan, an amino acid with similar properties. This amino acid position is conserved. In addition, this alteration is predicted to be tolerated by in silico analysis. Based on the available evidence, the clinical significance of this variant remains unclear.

Labcorp Genetics (formerly Invitae), Labcorp
Classification: Uncertain significance for Autosomal dominant Parkinson disease 8. Last evaluated: 2021-04-23. Review status: criteria provided, single submitter. Criteria: Invitae Variant Classification Sherloc (09022015). Collection method: clinical testing. Allele origin: germline.
Comment: In summary, the available evidence is currently insufficient to determine the role of this variant in disease. Therefore, it has been classified as a Variant of Uncertain Significance. Algorithms developed to predict the effect of missense changes on protein structure and function are either unavailable or do not agree on the potential impact of this missense change (SIFT: "Deleterious"; PolyPhen-2: "Possibly Damaging"; Align-GVGD: "Class C0"). This variant has not been reported in the literature in individuals with LRRK2-related conditions. This variant is not present in population databases (ExAC no frequency). This sequence change replaces leucine with tryptophan at codon 117 of the LRRK2 protein (p.Leu117Trp). The leucine residue is moderately conserved and there is a small physicochemical difference between leucine and tryptophan.

NM_198578.4(LRRK2):c.350T>G (p.Leu117Trp)

Gene: LRRK2 (leucine rich repeat kinase 2; plus strand). Cytogenetic location: 12q12.
Variant type: single nucleotide variant.
Coding change: c.350T>G on transcript NM_198578.4 (MANE Select); coding-DNA position 350, T replaced by G.
Protein change: p.Leu117Trp; replaces leucine 117 with tryptophan.
Molecular consequence: missense variant.
Genome position (GRCh38, 1-based): chr12:40,235,628, T>G. VCF-style: chr12-40235628-T-G. GRCh37 (hg19) VCF-style: chr12-40629430-T-G.
Other names: c.350T>G (NM_198578.3); short protein forms L117W.
Identifiers: ClinVar variation 1485185 (VCV001485185.9), dbSNP rs1941415538, ClinGen allele CA384402596.